The following is an entry in ClinVar:

ClinVar aggregate classification (germline): Benign/Likely benign. Review status: criteria provided, multiple submitters, no conflicts (2 of 4 stars). 4 submissions from 4 submitters: Benign (2); Likely benign (1). 1 of the submissions does not count toward it. Last evaluated 2026-01-31.

Conditions:
KDM6A-related disorder. Also called: KDM6A-related condition.
Kabuki syndrome 2 (KABUK2). Also called: KDM6A-Related Kabuki Syndrome. Identifiers: Orphanet 2322, MedGen C3275495, MONDO:0010465, OMIM 300867.

Allele frequency attached by ClinVar (database versions not stated): gnomAD exomes 0.00023 and 0.00058; ExAC 0.00067; 1000 Genomes Project 30x 0.00146; gnomAD 0.00221 and 0.00254; 1000 Genomes Project 0.01139.
gnomAD v4.1: 385 of 965,250 alleles (0.04%); highest among the groups gnomAD compares: African/African-American, 0.67%; no homozygotes.

Submissions (4):

Labcorp Genetics (formerly Invitae), Labcorp
Classification: Benign for Kabuki syndrome 2. Last evaluated: 2026-01-31. Review status: criteria provided, single submitter. Criteria: Invitae Variant Classification Sherloc (09022015). Collection method: clinical testing. Allele origin: germline.

Blueprint Genetics
Classification: Likely benign. Last evaluated: 2024-11-27. Review status: criteria provided, single submitter. Criteria: ACMG Guidelines, 2015. Collection method: clinical testing. Allele origin: germline.

GeneDx
Classification: Benign. Last evaluated: 2019-02-22. Review status: criteria provided, single submitter. Criteria: GeneDx Variant Classification Process June 2021. Collection method: clinical testing. Allele origin: germline. Affected: yes.

PreventionGenetics, part of Exact Sciences
Classification: Benign for KDM6A-related condition. Last evaluated: 2019-09-24. Review status: no assertion criteria provided. Collection method: clinical testing. Allele origin: germline. Not counted in ClinVar's aggregate classification.
Comment: This variant is classified as benign based on ACMG/AMP sequence variant interpretation guidelines (Richards et al. 2015 PMID: 25741868, with internal and published modifications).

NM_001291415.2(KDM6A):c.2859-5T>C

Gene: KDM6A (lysine demethylase 6A; plus strand). Cytogenetic location: Xp11.3.
Variant type: single nucleotide variant.
Coding change: c.2859-5T>C on transcript NM_001291415.2 (MANE Select); 5 bases into the intron before coding-DNA position 2859, T replaced by C.
Molecular consequence: intron variant.
Genome position (GRCh38, 1-based): chrX:45,076,692, T>C. VCF-style: chrX-45076692-T-C. GRCh37 (hg19) VCF-style: chrX-44935937-T-C.
Other names: c.2703-5T>C (NM_021140.4); c.2724-5T>C (NM_001291416.2); c.2568-5T>C (NM_001291417.2); c.2466-5T>C (NM_001291418.2); c.1815-5T>C (NM_001291421.2).
Identifiers: ClinVar variation 707498 (VCV000707498.17), dbSNP rs747739852, ClinGen allele CA10392565.